The following is an entry in ClinVar:

NM_016148.5(SHANK1):c.6156A>G (p.Pro2052=)

Gene: SHANK1 (SH3 and multiple ankyrin repeat domains 1; minus strand). Cytogenetic location: 19q13.33.
Variant type: single nucleotide variant.
Coding change: c.6156A>G on transcript NM_016148.5 (MANE Select); coding-DNA position 6156, A replaced by G.
Protein change: p.Pro2052=; no amino-acid change (proline 2052 retained).
Molecular consequence: synonymous variant.
Genome position (GRCh38, 1-based): chr19:50,662,295, T>C on the plus strand (A>G on the coding strand, the complement: SHANK1 is on the minus strand). VCF-style: chr19-50662295-T-C. GRCh37 (hg19) VCF-style: chr19-51165552-T-C.
Identifiers: ClinVar variation 3047407 (VCV003047407.2), dbSNP rs978521339, ClinGen allele CA309620217.

ClinVar aggregate classification (germline): Likely benign (0 of 4 stars; one submission).

Conditions:
SHANK1-related disorder. Also called: SHANK1-related condition.

Allele frequency attached by ClinVar (database versions not stated): gnomAD exomes 0.00002; TOPMed 0.00002; gnomAD 0.00003.
gnomAD v4.1: 32 of 1,610,820 alleles (0.002%); highest among the groups gnomAD compares: Non-Finnish European, 0.0025%; no homozygotes.

Submission:

PreventionGenetics, part of Exact Sciences
Classification: Likely benign for SHANK1-related condition. Last evaluated: 2019-03-14. Review status: no assertion criteria provided. Collection method: clinical testing. Allele origin: germline.
Comment: This variant is classified as likely benign based on ACMG/AMP sequence variant interpretation guidelines (Richards et al. 2015 PMID: 25741868, with internal and published modifications).